The following is an entry in ClinVar:

NM_032237.5(POMK):c.803del (p.Phe268fs)

Gene: POMK (protein O-mannose kinase; plus strand). Cytogenetic location: 8p11.21.
Variant type: Deletion.
Coding change: c.803del on transcript NM_032237.5 (MANE Select); coding-DNA position 803, one base deleted (T; older notation c.803delT).
Protein change: p.Phe268fs; shifts the reading frame from phenylalanine 268.
Molecular consequence: frameshift variant.
Genome position (GRCh38, 1-based): chr8:43,122,627, T deleted; the last of 3 consecutive T bases (chr8:43,122,625-43,122,627); deleting any one gives the same sequence. VCF-style (leftmost placement, unchanged base first): chr8-43122624-CT-C. GRCh37 (hg19) VCF-style: chr8-42977767-CT-C.
Other names: p.Phe268Serfs*75; c.803del, p.Phe268fs (NM_001277971.2); short protein forms F268fs.
Identifiers: ClinVar variation 2683017 (VCV002683017.4), dbSNP rs2486780969, ClinGen allele CA2579158817.

ClinVar aggregate classification (germline): Conflicting classifications of pathogenicity. Review status: criteria provided, conflicting classifications (1 of 4 stars). 2 submissions from 2 submitters: Pathogenic (1); Uncertain significance (1). Last evaluated 2023-04-15.

Conditions:
Muscular dystrophy-dystroglycanopathy (congenital with brain and eye anomalies), type a, 12 (MDDGA12). Also called: WALKER-WARBURG SYNDROME OR MUSCLE-EYE-BRAIN DISEASE, POMK-RELATED. Identifiers: Orphanet 899, MedGen C3808964, MONDO:0014101, OMIM 615249.
Limb-girdle muscular dystrophy due to POMK deficiency. Also called: Muscular dystrophy-dystroglycanopathy (limb-girdle), type c, 12; MUSCULAR DYSTROPHY-DYSTROGLYCANOPATHY, LIMB-GIRDLE, POMK-RELATED. Identifiers: Orphanet 445110, MedGen C4015184, MONDO:0014489, OMIM 616094.

Submissions (2):

Labcorp Genetics (formerly Invitae), Labcorp
Classification: Pathogenic for Muscular dystrophy-dystroglycanopathy (congenital with brain and eye anomalies), type a, 12; Limb-girdle muscular dystrophy due to POMK deficiency. Last evaluated: 2023-04-15. Review status: criteria provided, single submitter. Criteria: Invitae Variant Classification Sherloc (09022015). Collection method: clinical testing. Allele origin: germline.
Comment: This variant is not present in population databases (gnomAD no frequency). This variant has not been reported in the literature in individuals affected with POMK-related conditions. This variant disrupts a region of the POMK protein in which other variant(s) (p.Pro322Leu) have been determined to be pathogenic (PMID: 29910097, 30060766). This suggests that this is a clinically significant region of the protein, and that variants that disrupt it are likely to be disease-causing. For these reasons, this variant has been classified as Pathogenic. This sequence change creates a premature translational stop signal (p.Phe268Serfs*75) in the POMK gene. While this is not anticipated to result in nonsense mediated decay, it is expected to disrupt the last 83 amino acid(s) of the POMK protein.

Mayo Clinic Laboratories, Mayo Clinic
Classification: Uncertain significance. Last evaluated: 2023-03-17. Review status: criteria provided, single submitter. Criteria: ACMG Guidelines, 2015. Collection method: clinical testing. Allele origin: germline. Observed: 1 variant allele.
Comment: PM2, PVS1_moderate

Literature cited by the submitters: PubMed 29910097 (cited by Labcorp Genetics (formerly Invitae), Labcorp); PubMed 30060766 (cited by Labcorp Genetics (formerly Invitae), Labcorp).